The following is an entry in ClinVar:

ClinVar aggregate classification (germline): Uncertain significance (1 of 4 stars; one submission).

Conditions:
Anauxetic dysplasia. Identifiers: Orphanet 93347, MedGen C1846796, MONDO:0011773.

Allele frequency attached by ClinVar (database versions not stated): gnomAD 0.00001.
gnomAD v4.1: 1 of 700,350 alleles (0.00014%); highest among the groups gnomAD compares: Non-Finnish European, 0.00026%; no homozygotes.

Submission:

Labcorp Genetics (formerly Invitae), Labcorp
Classification: Uncertain significance for Anauxetic dysplasia. Last evaluated: 2024-04-08. Review status: criteria provided, single submitter. Criteria: Invitae Variant Classification Sherloc (09022015). Collection method: clinical testing. Allele origin: germline.
Comment: This variant occurs in the RMRP gene, which encodes an RNA molecule that does not result in a protein product. This variant is not present in population databases (gnomAD no frequency). This variant has not been reported in the literature in individuals affected with RMRP-related conditions. ClinVar contains an entry for this variant (Variation ID: 1417612). Experimental studies and prediction algorithms are not available or were not evaluated, and the functional significance of this variant is currently unknown. In summary, the available evidence is currently insufficient to determine the role of this variant in disease. Therefore, it has been classified as a Variant of Uncertain Significance.

NC_000009.12:g.35657935G>A

Gene: RMRP (RNA component of mitochondrial RNA processing endoribonuclease; minus strand). Cytogenetic location: 9p13.3.
Variant type: single nucleotide variant.
Genome position: GRCh38 VCF-style: chr9-35657935-G-A. GRCh37 (hg19) VCF-style: chr9-35657932-G-A.
Identifiers: ClinVar variation 1417612 (VCV001417612.5), dbSNP rs1282617590, ClinGen allele CA464450835.